The following is an entry in ClinVar:

NM_004360.5(CDH1):c.477T>C (p.Pro159=)

Gene: CDH1 (cadherin 1; plus strand). Cytogenetic location: 16q22.1.
Variant type: single nucleotide variant.
Coding change: c.477T>C on transcript NM_004360.5 (MANE Select); coding-DNA position 477, T replaced by C.
Protein change: p.Pro159=; no amino-acid change (proline 159 retained).
Molecular consequence: synonymous variant. On other transcripts: 5 prime UTR variant (2).
Genome position (GRCh38, 1-based): chr16:68,808,513, T>C. VCF-style: chr16-68808513-T-C. GRCh37 (hg19) VCF-style: chr16-68842416-T-C.
Other names: c.477T>C, p.Pro159= (NM_001317184.2); c.-1139T>C (NM_001317185.2); c.-1343T>C (NM_001317186.2).
Identifiers: ClinVar variation 3379057 (VCV003379057.1).
Genomic context (GRCh38, chr16:68,808,513, plus strand): 5'-GCTCACATTTCCCAACTCCTCTCCTGGCCTCAGAAGACAGAAGAGAGACTGGGTTATTCC[T>C]CCCATCAGCTGCCCAGAAAATGAAAAAGGCCCATTTCCTAAAAACCTGGTTCAGGTAGAG-3'
Protein context (NP_004351.1, residues 149-169): LRRQKRDWVI[Pro159=]PISCPENEKG

ClinVar aggregate classification (germline): Benign (1 of 4 stars; one submission).

Conditions:
Hereditary diffuse gastric adenocarcinoma (HDGC). Also called: DIFFUSE GASTRIC AND LOBULAR BREAST CANCER SYNDROME. Identifiers: Orphanet 26106, MedGen C1708349, MONDO:0007648, OMIM 137215.

Submission:

Myriad Genetics, Inc.
Classification: Benign for Hereditary diffuse gastric adenocarcinoma. Last evaluated: 2024-09-13. Review status: criteria provided, single submitter. Criteria: Myriad Autosomal Dominant, Autosomal Recessive and X-Linked Classification Criteria (2023). Collection method: clinical testing. Allele origin: unknown.
Comment: This variant is considered benign. This variant is a silent/synonymous amino acid change and it is not expected to impact splicing.